The following is an entry in ClinVar:

NM_001374353.1(GLI2):c.3967G>C (p.Val1323Leu)

Gene: GLI2 (GLI family zinc finger 2; plus strand). Cytogenetic location: 2q14.2.
Variant type: single nucleotide variant.
Coding change: c.3967G>C on transcript NM_001374353.1 (MANE Select); coding-DNA position 3967, G replaced by C.
Protein change: p.Val1323Leu; replaces valine 1323 with leucine.
Molecular consequence: missense variant.
Genome position (GRCh38, 1-based): chr2:120,989,932, G>C. VCF-style: chr2-120989932-G-C. GRCh37 (hg19) VCF-style: chr2-121747508-G-C.
Other names: c.4018G>C, p.Val1340Leu (NM_001371271.1, NM_005270.5); c.3592G>C, p.Val1198Leu (NM_001374354.1); short protein forms V1340L, V1198L, V1323L.
Identifiers: ClinVar variation 2402260 (VCV002402260.5), dbSNP rs759453086, ClinGen allele CA1852527.

ClinVar aggregate classification (germline): Uncertain significance. Review status: criteria provided, multiple submitters, no conflicts (2 of 4 stars). 2 submissions from 2 submitters: Uncertain significance (2). Last evaluated 2025-09-10.

Conditions:
Inborn genetic diseases. Identifiers: MedGen C0950123, MeSH D030342.
Postaxial polydactyly-anterior pituitary anomalies-facial dysmorphism syndrome. Also called: Culler-Jones syndrome. Identifiers: Orphanet 420584, MedGen C4014479, MONDO:0014369, OMIM 615849.
Holoprosencephaly 9 (HPE9). Also called: HOLOPROSENCEPHALY WITH MICROPHTHALMIA AND FIRST BRANCHIAL ARCH ANOMALIES; PITUITARY ANOMALIES WITH HOLOPROSENCEPHALY-LIKE FEATURES. Identifiers: Orphanet 2162, MedGen C1835819, MONDO:0012563, OMIM 610829.

Allele frequency attached by ClinVar (database versions not stated): gnomAD exomes 0.00002; ExAC 0.00004; gnomAD 0.00004; TOPMed 0.00015.
gnomAD v4.1: 31 of 1,611,870 alleles (0.0019%); highest among the groups gnomAD compares: Admixed American, 0.027%; no homozygotes.

Submissions (2):

Labcorp Genetics (formerly Invitae), Labcorp
Classification: Uncertain significance for Postaxial polydactyly-anterior pituitary anomalies-facial dysmorphism syndrome; Holoprosencephaly 9. Last evaluated: 2025-09-10. Review status: criteria provided, single submitter. Criteria: Invitae Variant Classification Sherloc (09022015). Collection method: clinical testing. Allele origin: germline.
Comment: This sequence change replaces valine, which is neutral and non-polar, with leucine, which is neutral and non-polar, at codon 1340 of the GLI2 protein (p.Val1340Leu). This variant is present in population databases (rs759453086, gnomAD 0.02%). This variant has not been reported in the literature in individuals affected with GLI2-related conditions. ClinVar contains an entry for this variant (Variation ID: 2402260). Invitae Evidence Modeling of protein sequence and biophysical properties (such as structural, functional, and spatial information, amino acid conservation, physicochemical variation, residue mobility, and thermodynamic stability) indicates that this missense variant is not expected to disrupt GLI2 protein function with a negative predictive value of 80%. In summary, the available evidence is currently insufficient to determine the role of this variant in disease. Therefore, it has been classified as a Variant of Uncertain Significance.

Ambry Genetics
Classification: Uncertain significance for Inborn genetic diseases. Last evaluated: 2021-08-10. Review status: criteria provided, single submitter. Criteria: Ambry Variant Classification Scheme 2023. Collection method: clinical testing. Allele origin: germline.